The following is an entry in ClinVar:

ClinVar aggregate classification (germline): Uncertain significance (1 of 4 stars; one submission).

Conditions:
Hypertrophic cardiomyopathy. Also called: HYPERTROPHIC MYOCARDIOPATHY. Identifiers: Orphanet 217569, MedGen C0007194, MeSH D002312, MONDO:0005045, HP:0001639.

Submission:

Labcorp Genetics (formerly Invitae), Labcorp
Classification: Uncertain significance for Hypertrophic cardiomyopathy. Last evaluated: 2022-06-08. Review status: criteria provided, single submitter. Criteria: Invitae Variant Classification Sherloc (09022015). Collection method: clinical testing. Allele origin: germline.
Comment: Algorithms developed to predict the effect of missense changes on protein structure and function are either unavailable or do not agree on the potential impact of this missense change (SIFT: "Deleterious"; PolyPhen-2: "Probably Damaging"; Align-GVGD: "Class C0"). In summary, the available evidence is currently insufficient to determine the role of this variant in disease. Therefore, it has been classified as a Variant of Uncertain Significance. This missense change has been observed in individual(s) with hypertrophic cardiomyopathy (PMID: 21252143). This variant is not present in population databases (gnomAD no frequency). This sequence change replaces tyrosine, which is neutral and polar, with histidine, which is basic and polar, at codon 162 of the MYH7 protein (p.Tyr162His).

Literature cited by the submitters: PubMed 21252143.

NM_000257.4(MYH7):c.484T>C (p.Tyr162His)

Gene: MYH7 (myosin heavy chain 7; minus strand). Cytogenetic location: 14q11.2.
Variant type: single nucleotide variant.
Coding change: c.484T>C on transcript NM_000257.4 (MANE Select); coding-DNA position 484, T replaced by C.
Protein change: p.Tyr162His; replaces tyrosine 162 with histidine.
Molecular consequence: missense variant.
Genome position (GRCh38, 1-based): chr14:23,432,657, A>G on the plus strand (T>C on the coding strand, the complement: MYH7 is on the minus strand). VCF-style: chr14-23432657-A-G. GRCh37 (hg19) VCF-style: chr14-23901866-A-G.
Other names: c.484T>C, p.Tyr162His (NM_001407004.1); short protein forms Y162H.
Identifiers: ClinVar variation 2137568 (VCV002137568.4), dbSNP rs1555338762, ClinGen allele CA389052725.